The following is an entry in ClinVar:

NM_014363.6(SACS):c.11707C>T (p.Arg3903Ter)

Gene: SACS (sacsin molecular chaperone; minus strand). Cytogenetic location: 13q12.12.
Variant type: single nucleotide variant.
Coding change: c.11707C>T on transcript NM_014363.6 (MANE Select); coding-DNA position 11707, C replaced by T.
Protein change: p.Arg3903Ter; replaces arginine 3903 with a stop codon.
Molecular consequence: nonsense.
Genome position (GRCh38, 1-based): chr13:23,332,169, G>A on the plus strand (C>T on the coding strand, the complement: SACS is on the minus strand). VCF-style: chr13-23332169-G-A. GRCh37 (hg19) VCF-style: chr13-23906308-G-A.
Other names: c.11266C>T, p.Arg3756Ter (NM_001278055.2); short protein forms R3903*, R3756*.
Identifiers: ClinVar variation 411691 (VCV000411691.20), dbSNP rs774906736, ClinGen allele CA6910236.

ClinVar aggregate classification (germline): Pathogenic. Review status: criteria provided, multiple submitters, no conflicts (2 of 4 stars). 7 submissions from 7 submitters: Pathogenic (7). Last evaluated 2025-12-22.

Conditions:
Inborn genetic diseases. Identifiers: MedGen C0950123, MeSH D030342.
Spastic paraplegia. Identifiers: MedGen C0037772, HP:0001258.
Charlevoix-Saguenay spastic ataxia (SACS). Also called: SPASTIC ATAXIA 6, AUTOSOMAL RECESSIVE; AUTOSOMAL RECESSIVE SPASTIC ATAXIA OF CHARLEVOIX-SAGUENAY; Spastic ataxia of Charlevoix-Saguenay. Identifiers: Orphanet 98, MedGen C1849140, MONDO:0010041, OMIM 270550.

Allele frequency attached by ClinVar (database versions not stated): gnomAD exomes below 0.00001 and 0.00001; ExAC 0.00001; gnomAD 0.00001; TOPMed 0.00002.
gnomAD v4.1: 7 of 1,613,824 alleles (0.00043%); highest among the groups gnomAD compares: Non-Finnish European, 0.00042%; no homozygotes.

Submissions (7):

Natera, Inc.
Classification: Pathogenic for Charlevoix-Saguenay type spastic ataxia. Last evaluated: 2025-12-22. Review status: criteria provided, single submitter. Criteria: Natera Variant Classification Schema (03/2026). Collection method: clinical testing. Allele origin: germline.
Comment: The c.11707C>T variant in SACS is a nonsense variant predicted to introduce a stop codon at amino acid 3903. This variant is expected to result in nonsense mediated decay, truncation, or a dysfunctional protein product. This variant is rare in the general population with a frequency below the threshold expected for the associated phenotype(s). This variant has been observed in one or more individuals affected with the associated recessive disease, as either homozygous or compound heterozygous with a second variant (PMID: 21745802, 19892370). Given the available evidence, this variant is classified as Pathogenic.

Baylor Genetics
Classification: Pathogenic for Charlevoix-Saguenay spastic ataxia. Last evaluated: 2024-03-25. Review status: criteria provided, single submitter. Criteria: ACMG Guidelines, 2015. Collection method: clinical testing. Allele origin: unknown.

3billion
Classification: Pathogenic for Charlevoix-Saguenay spastic ataxia. Last evaluated: 2023-11-26. Review status: criteria provided, single submitter. Criteria: ACMG Guidelines, 2015. Collection method: clinical testing. Allele origin: germline. Affected: yes.
Comment: The variant is observed at an extremely low frequency in the gnomAD v2.1.1 dataset (total allele frequency: <0.001%). Predicted Consequence/Location: Stop-gained (nonsense): predicted to result in a loss or disruption of normal protein function through protein truncation. The predicted truncated protein may be shortened by more than 10%. The variant has been reported to be in trans with a pathogenic variant as either compound heterozygous or homozygous in at least one similarly affected unrelated individual (PMID: 19892370, 21745802). The variant has been reported at least twice as pathogenic without evidence for the classification (ClinVar ID: VCV000411691 /PMID: 19892370). Therefore, this variant is classified as Pathogenic according to the recommendation of ACMG/AMP guideline.

Labcorp Genetics (formerly Invitae), Labcorp
Classification: Pathogenic for Spastic paraplegia. Last evaluated: 2023-07-19. Review status: criteria provided, single submitter. Criteria: Invitae Variant Classification Sherloc (09022015). Collection method: clinical testing. Allele origin: germline.
Comment: ClinVar contains an entry for this variant (Variation ID: 411691). This premature translational stop signal has been observed in individual(s) with autosomal recessive spastic ataxia of Charlevoix-Saguenay (PMID: 19892370, 21745802). It has also been observed to segregate with disease in related individuals. This variant is present in population databases (rs774906736, gnomAD 0.009%). This sequence change creates a premature translational stop signal (p.Arg3903*) in the SACS gene. While this is not anticipated to result in nonsense mediated decay, it is expected to disrupt the last 677 amino acid(s) of the SACS protein. For these reasons, this variant has been classified as Pathogenic.

PROSPAX: an integrated multimodal progression  chart in spastic ataxias, Center for Neurology; Hertie-Institute for Clinical Brain Research
Classification: Pathogenic for Charlevoix-Saguenay spastic ataxia. Last evaluated: 2022-01-01. Review status: criteria provided, single submitter. Criteria: ACMG Guidelines, 2015. Collection method: research. Allele origin: germline. Affected: yes.

Genome-Nilou Lab
Classification: Pathogenic for Charlevoix-Saguenay spastic ataxia. Last evaluated: 2021-09-05. Review status: criteria provided, single submitter. Criteria: ACMG Guidelines, 2015. Collection method: clinical testing. Allele origin: germline. Affected: no.

Ambry Genetics
Classification: Pathogenic for Inborn genetic diseases. Last evaluated: 2017-05-26. Review status: criteria provided, single submitter. Criteria: Ambry exome assertion method (8-5-2015). Collection method: clinical testing. Allele origin: germline. Affected: yes. Observed: 1 variant allele.

Literature cited by the submitters: PubMed 21745802 (cited by 4 submitters); PubMed 19892370 (cited by 4 submitters); PubMed 26288984 (cited by Ambry Genetics); PubMed 27288452 (cited by Ambry Genetics).